The following is an entry in ClinVar:

ClinVar aggregate classification (germline): Uncertain significance (1 of 4 stars; one submission).

Allele frequency attached by ClinVar (database versions not stated): TOPMed below 0.00001; gnomAD 0.00002; ExAC 0.00010; gnomAD exomes 0.00012; 1000 Genomes Project 30x 0.00016; 1000 Genomes Project 0.00020.
gnomAD v4.1: 73 of 1,577,278 alleles (0.0046%); highest among the groups gnomAD compares: East Asian, 0.16%; no homozygotes.

Submission:

Labcorp Genetics (formerly Invitae), Labcorp
Classification: Uncertain significance. Last evaluated: 2022-05-06. Review status: criteria provided, single submitter. Criteria: Invitae Variant Classification Sherloc (09022015). Collection method: clinical testing. Allele origin: germline.
Comment: This sequence change replaces threonine, which is neutral and polar, with isoleucine, which is neutral and non-polar, at codon 22 of the DDRGK1 protein (p.Thr22Ile). This variant is present in population databases (rs199599811, gnomAD 0.04%). In summary, the available evidence is currently insufficient to determine the role of this variant in disease. Therefore, it has been classified as a Variant of Uncertain Significance. Algorithms developed to predict the effect of missense changes on protein structure and function are either unavailable or do not agree on the potential impact of this missense change (SIFT: "Not Available"; PolyPhen-2: "Probably Damaging"; Align-GVGD: "Not Available"). This variant has not been reported in the literature in individuals affected with DDRGK1-related conditions.

NM_023935.3(DDRGK1):c.65C>T (p.Thr22Ile)

Genes: DDRGK1 (DDRGK domain containing 1; minus strand), ITPA (inosine triphosphatase; plus strand), LOC130065321 (ATAC-STARR-seq lymphoblastoid active region 17476; plus strand). Cytogenetic location: 20p13.
Variant type: single nucleotide variant.
Coding change: c.65C>T on transcript NM_023935.3 (MANE Select); coding-DNA position 65, C replaced by T.
Protein change: p.Thr22Ile; replaces threonine 22 with isoleucine.
Molecular consequence: missense variant.
Genome position (GRCh38, 1-based): chr20:3,204,563, G>A on the plus strand (C>T on the coding strand, the complement: DDRGK1 is on the minus strand). VCF-style: chr20-3204563-G-A. GRCh37 (hg19) VCF-style: chr20-3185209-G-A.
Other names: short protein forms T22I.
Identifiers: ClinVar variation 2166514 (VCV002166514.4), dbSNP rs199599811, ClinGen allele CA9741060.
Genomic context (GRCh38, chr20:3,204,563, plus strand): 5'-GTACCACCAACCCTGGTGCAGCGGCATCTCCTACCTGATGCCGCCCGGCCCCGGCTGCGA[G>A]TCAGGAAGAGGATAAAGCCGACTAGCAGAGCCGCCGCTACCAAGTACCACACAGGCGCCA-3'
Protein context (NP_076424.1, residues 12-32): ALLVGFILFL[Thr22Ile]RSRGRAASAG